The following is an entry in ClinVar:

ClinVar aggregate classification (germline): Uncertain significance (1 of 4 stars; one submission).

Submission:

Labcorp Genetics (formerly Invitae), Labcorp
Classification: Uncertain significance. Last evaluated: 2023-05-16. Review status: criteria provided, single submitter. Criteria: Invitae Variant Classification Sherloc (09022015). Collection method: clinical testing. Allele origin: germline.
Comment: In summary, the available evidence is currently insufficient to determine the role of this variant in disease. Therefore, it has been classified as a Variant of Uncertain Significance. Advanced modeling of protein sequence and biophysical properties (such as structural, functional, and spatial information, amino acid conservation, physicochemical variation, residue mobility, and thermodynamic stability) performed at Invitae indicates that this missense variant is not expected to disrupt COL11A2 protein function. This sequence change replaces leucine, which is neutral and non-polar, with valine, which is neutral and non-polar, at codon 611 of the COL11A2 protein (p.Leu611Val). This variant is not present in population databases (gnomAD no frequency). This variant has not been reported in the literature in individuals affected with COL11A2-related conditions.

NM_080680.3(COL11A2):c.1831C>G (p.Leu611Val)

Gene: COL11A2 (collagen type XI alpha 2 chain; minus strand). Cytogenetic location: 6p21.32.
Variant type: single nucleotide variant.
Coding change: c.1831C>G on transcript NM_080680.3 (MANE Select); coding-DNA position 1831, C replaced by G.
Protein change: p.Leu611Val; replaces leucine 611 with valine.
Molecular consequence: missense variant.
Genome position (GRCh38, 1-based): chr6:33,178,173, G>C on the plus strand (C>G on the coding strand, the complement: COL11A2 is on the minus strand). VCF-style: chr6-33178173-G-C. GRCh37 (hg19) VCF-style: chr6-33145950-G-C.
Other names: c.1651C>G, p.Leu551Val (NM_001424108.1); c.985C>G, p.Leu329Val (NM_001424109.1); c.805C>G, p.Leu269Val (NM_001424110.1, NM_001424111.1); c.1510C>G, p.Leu504Val (NM_080679.3); c.1573C>G, p.Leu525Val (NM_080681.3); short protein forms L551V, L269V, L525V, L504V, L329V, L611V.
Identifiers: ClinVar variation 2835634 (VCV002835634.3), dbSNP rs2535187716, ClinGen allele CA363656561.